The following is an entry in ClinVar:

ClinVar aggregate classification (germline): Uncertain significance (1 of 4 stars; one submission).

Conditions:
Emery-Dreifuss muscular dystrophy 5, autosomal dominant (EDMD5). Also called: EMERY-DREIFUSS MUSCULAR DYSTROPHY 5. Identifiers: Orphanet 261, MedGen C2751805, MONDO:0013072, OMIM 612999.

Allele frequency attached by ClinVar (database versions not stated): gnomAD exomes below 0.00001; gnomAD 0.00001; TOPMed 0.00001.
gnomAD v4.1: 6 of 1,613,162 alleles (0.00037%); highest among the groups gnomAD compares: Non-Finnish European, 0.00042%; no homozygotes.

Submission:

Labcorp Genetics (formerly Invitae), Labcorp
Classification: Uncertain significance for Emery-Dreifuss muscular dystrophy 5, autosomal dominant. Last evaluated: 2022-04-06. Review status: criteria provided, single submitter. Criteria: Invitae Variant Classification Sherloc (09022015). Collection method: clinical testing. Allele origin: germline.
Comment: ClinVar contains an entry for this variant (Variation ID: 857443). This variant has not been reported in the literature in individuals affected with SYNE2-related conditions. This variant is present in population databases (no rsID available, gnomAD 0.007%). This sequence change replaces serine, which is neutral and polar, with glycine, which is neutral and non-polar, at codon 1109 of the SYNE2 protein (p.Ser1109Gly). Algorithms developed to predict the effect of missense changes on protein structure and function (SIFT, PolyPhen-2, Align-GVGD) all suggest that this variant is likely to be tolerated. In summary, the available evidence is currently insufficient to determine the role of this variant in disease. Therefore, it has been classified as a Variant of Uncertain Significance.

NM_182914.3(SYNE2):c.3325A>G (p.Ser1109Gly)

Gene: SYNE2 (spectrin repeat containing nuclear envelope protein 2; plus strand). Cytogenetic location: 14q23.2.
Variant type: single nucleotide variant.
Coding change: c.3325A>G on transcript NM_182914.3 (MANE Select); coding-DNA position 3325, A replaced by G.
Protein change: p.Ser1109Gly; replaces serine 1109 with glycine.
Molecular consequence: missense variant.
Genome position (GRCh38, 1-based): chr14:63,998,300, A>G. VCF-style: chr14-63998300-A-G. GRCh37 (hg19) VCF-style: chr14-64465018-A-G.
Other names: c.3325A>G, p.Ser1109Gly (NM_015180.6); short protein forms S1109G.
Identifiers: ClinVar variation 857443 (VCV000857443.9), dbSNP rs982358351, ClinGen allele CA261843887.